The following is an entry in ClinVar:

NM_025114.4(CEP290):c.7111G>T (p.Ala2371Ser)

Gene: CEP290 (centrosomal protein 290; minus strand). Cytogenetic location: 12q21.32.
Variant type: single nucleotide variant.
Coding change: c.7111G>T on transcript NM_025114.4 (MANE Select); coding-DNA position 7111, G replaced by T.
Protein change: p.Ala2371Ser; replaces alanine 2371 with serine.
Molecular consequence: missense variant.
Genome position (GRCh38, 1-based): chr12:88,053,670, C>A on the plus strand (G>T on the coding strand, the complement: CEP290 is on the minus strand). VCF-style: chr12-88053670-C-A. GRCh37 (hg19) VCF-style: chr12-88447447-C-A.
Other names: short protein forms A2371S.
Identifiers: ClinVar variation 2115525 (VCV002115525.1), dbSNP rs747836241, ClinGen allele CA6711354.

ClinVar aggregate classification (germline): Uncertain significance (1 of 4 stars; one submission).

Conditions:
Joubert syndrome. Also called: CEREBELLOPARENCHYMAL DISORDER IV; JOUBERT-BOLTSHAUSER SYNDROME; Familial aplasia of the vermis. Identifiers: Orphanet 475, MedGen C5979921, MONDO:0018772.
Nephronophthisis. Also called: Juvenile Nephronophthisis. Identifiers: Orphanet 655, MedGen C0687120, MONDO:0019005, HP:0000090.
Meckel-Gruber syndrome. Also called: DYSENCEPHALIA SPLANCHNOCYSTICA; GRUBER SYNDROME; Dysencephalia splachnocystica. Identifiers: Orphanet 564, MedGen C0265215, MONDO:0018921.

Allele frequency attached by ClinVar (database versions not stated): gnomAD exomes below 0.00001; ExAC 0.00004.
gnomAD v4.1: 1 of 1,537,380 alleles (0.000065%); highest among the groups gnomAD compares: East Asian, 0.0024%; no homozygotes.

Submission:

Labcorp Genetics (formerly Invitae), Labcorp
Classification: Uncertain significance for Joubert syndrome; Meckel-Gruber syndrome; Nephronophthisis. Last evaluated: 2022-08-09. Review status: criteria provided, single submitter. Criteria: Invitae Variant Classification Sherloc (09022015). Collection method: clinical testing. Allele origin: germline.
Comment: This sequence change replaces alanine, which is neutral and non-polar, with serine, which is neutral and polar, at codon 2371 of the CEP290 protein (p.Ala2371Ser). This variant is not present in population databases (gnomAD no frequency). This variant has not been reported in the literature in individuals affected with CEP290-related conditions. Algorithms developed to predict the effect of missense changes on protein structure and function (SIFT, PolyPhen-2, Align-GVGD) all suggest that this variant is likely to be tolerated. In summary, the available evidence is currently insufficient to determine the role of this variant in disease. Therefore, it has been classified as a Variant of Uncertain Significance.